The following is an entry in ClinVar:

ClinVar aggregate classification (germline): Likely pathogenic. Review status: criteria provided, multiple submitters, no conflicts (2 of 4 stars). 2 submissions from 2 submitters: Likely pathogenic (2). Last evaluated 2024-03-01.

Conditions:
Autosomal recessive nonsyndromic hearing loss 3. Also called: NEUROSENSORY NONSYNDROMIC RECESSIVE DEAFNESS 3. Identifiers: Orphanet 90636, MedGen C1838263, MONDO:0010860, OMIM 600316.

Allele frequency attached by ClinVar (database versions not stated): gnomAD exomes below 0.00001.
gnomAD v4.1: 1 of 1,612,204 alleles (0.000062%); highest among the groups gnomAD compares: Non-Finnish European, 0.000085%; no homozygotes.

Submissions (2):

CeGaT Center for Human Genetics Tuebingen
Classification: Likely pathogenic. Last evaluated: 2024-03-01. Review status: criteria provided, single submitter. Criteria: CeGaT Center For Human Genetics Tuebingen Variant Classification Criteria Version 2. Collection method: clinical testing. Allele origin: germline. Affected: yes. Observed: 1 variant allele.
Comment: MYO15A: PM3:Strong, PM2, PP3

Laboratory of Prof. Karen Avraham, Tel Aviv University
Classification: Likely pathogenic for Autosomal recessive nonsyndromic hearing loss 3. Last evaluated: 2020-10-27. Review status: criteria provided, single submitter. Criteria: ACMG Guidelines, 2015. Collection method: research. Allele origin: germline. Affected: yes.
Comment: Recessive, congenital SNHL

Homozygous; compound heterozygous with NM_016239.4:c.8090T>C

NM_016239.4(MYO15A):c.707A>G (p.Tyr236Cys)

Gene: MYO15A (myosin XVA; plus strand). Cytogenetic location: 17p11.2.
Variant type: single nucleotide variant.
Coding change: c.707A>G on transcript NM_016239.4 (MANE Select); coding-DNA position 707, A replaced by G.
Protein change: p.Tyr236Cys; replaces tyrosine 236 with cysteine.
Molecular consequence: missense variant.
Genome position (GRCh38, 1-based): chr17:18,119,507, A>G. VCF-style: chr17-18119507-A-G. GRCh37 (hg19) VCF-style: chr17-18022821-A-G.
Other names: short protein forms Y236C.
Identifiers: ClinVar variation 984790 (VCV000984790.22), dbSNP rs2045862543, ClinGen allele CA398575234.